The following is an entry in ClinVar:

NM_022081.6(HPS4):c.445A>G (p.Asn149Asp)

Gene: HPS4 (HPS4 biogenesis of lysosomal organelles complex 3 subunit 2; minus strand). Cytogenetic location: 22q12.1.
Variant type: single nucleotide variant.
Coding change: c.445A>G on transcript NM_022081.6 (MANE Select); coding-DNA position 445, A replaced by G.
Protein change: p.Asn149Asp; replaces asparagine 149 with aspartic acid.
Molecular consequence: missense variant. On other transcripts: non-coding transcript variant (8).
Genome position (GRCh38, 1-based): chr22:26,472,358, T>C on the plus strand (A>G on the coding strand, the complement: HPS4 is on the minus strand). VCF-style: chr22-26472358-T-C. GRCh37 (hg19) VCF-style: chr22-26868324-T-C.
Other names: c.445A>G, p.Asn149Asp (NM_001349896.1, NM_001349898.2, NM_001349899.2 and 6 more transcripts); c.430A>G, p.Asn144Asp (NM_152841.2); c.445A>G (NM_022081.4); short protein forms N144D, N149D.
Identifiers: ClinVar variation 1153916 (VCV001153916.17), dbSNP rs140430822, ClinGen allele CA10163705.

ClinVar aggregate classification (germline): Conflicting classifications of pathogenicity. Review status: criteria provided, conflicting classifications (1 of 4 stars). 5 submissions from 5 submitters: Uncertain significance (3); Likely benign (1). 1 of the submissions does not count toward it. Last evaluated 2026-01-27.

Conditions:
HPS4-related disorder. Also called: HPS4-related condition.
Inborn genetic diseases. Identifiers: MedGen C0950123, MeSH D030342.

Allele frequency attached by ClinVar (database versions not stated): gnomAD exomes 0.00012 and 0.00029; ExAC 0.00039; 1000 Genomes Project 0.00120; 1000 Genomes Project 30x 0.00125; gnomAD 0.00134 and 0.00151; TOPMed 0.00137; ESP Exome Variant Server 0.00154.
gnomAD v4.1: 391 of 1,614,068 alleles (0.024%); highest among the groups gnomAD compares: African/African-American, 0.45%; 2 homozygotes.

Submissions (5):

Labcorp Genetics (formerly Invitae), Labcorp
Classification: Likely benign. Last evaluated: 2026-01-27. Review status: criteria provided, single submitter. Criteria: Invitae Variant Classification Sherloc (09022015). Collection method: clinical testing. Allele origin: germline.

GeneDx
Classification: Uncertain significance. Last evaluated: 2025-06-30. Review status: criteria provided, single submitter. Criteria: GeneDx Variant Classification Process June 2021. Collection method: clinical testing. Allele origin: germline. Affected: yes.
Comment: Has not been previously published as pathogenic or benign to our knowledge; In silico analysis suggests that this missense variant does not alter protein structure/function

Blueprint Genetics
Classification: Uncertain significance. Last evaluated: 2024-11-13. Review status: criteria provided, single submitter. Criteria: ACMG Guidelines, 2015. Collection method: clinical testing. Allele origin: germline.

Ambry Genetics
Classification: Uncertain significance for Inborn genetic diseases. Last evaluated: 2023-03-20. Review status: criteria provided, single submitter. Criteria: Ambry Variant Classification Scheme 2023. Collection method: clinical testing. Allele origin: germline.

PreventionGenetics, part of Exact Sciences
Classification: Likely benign for HPS4-related condition. Last evaluated: 2021-02-24. Review status: no assertion criteria provided. Collection method: clinical testing. Allele origin: germline. Not counted in ClinVar's aggregate classification.
Comment: This variant is classified as likely benign based on ACMG/AMP sequence variant interpretation guidelines (Richards et al. 2015 PMID: 25741868, with internal and published modifications).